The following is an entry in ClinVar:

NM_001848.3(COL6A1):c.738+1G>C

Gene: COL6A1 (collagen type VI alpha 1 chain; plus strand). Cytogenetic location: 21q22.3.
Variant type: single nucleotide variant.
Coding change: c.738+1G>C on transcript NM_001848.3 (MANE Select); the canonical splice donor site of the intron after coding-DNA position 738, G replaced by C.
Molecular consequence: splice donor variant.
Genome position (GRCh38, 1-based): chr21:45,987,176, G>C. VCF-style: chr21-45987176-G-C. GRCh37 (hg19) VCF-style: chr21-47407090-G-C.
Identifiers: ClinVar variation 3604886 (VCV003604886.2).

ClinVar aggregate classification (germline): Likely pathogenic (1 of 4 stars; one submission).

Conditions:
Bethlem myopathy 1A. Also called: Bethlem myopathy 1; MYOPATHY, BENIGN CONGENITAL, WITH CONTRACTURES; Bethlem Muscular Dystrophy. Identifiers: Orphanet 610, MedGen CN029274, MONDO:0024530, OMIM 158810.

Submission:

Labcorp Genetics (formerly Invitae), Labcorp
Classification: Likely pathogenic for Bethlem myopathy 1A. Last evaluated: 2025-03-26. Review status: criteria provided, single submitter. Criteria: Invitae Variant Classification Sherloc (09022015). Collection method: clinical testing. Allele origin: germline.
Comment: This sequence change affects a donor splice site in intron 6 of the COL6A1 gene. It is expected to disrupt RNA splicing. Variants that disrupt the donor or acceptor splice site typically lead to a loss of protein function (PMID: 16199547), and loss-of-function variants in COL6A1 are known to be pathogenic (PMID: 19884007, 20976770). This variant is not present in population databases (gnomAD no frequency). This variant has not been reported in the literature in individuals affected with COL6A1-related conditions. Algorithms developed to predict the effect of sequence changes on RNA splicing suggest that this variant may disrupt the consensus splice site. In summary, the currently available evidence indicates that the variant is pathogenic, but additional data are needed to prove that conclusively. Therefore, this variant has been classified as Likely Pathogenic.

Literature cited by the submitters: PubMed 16199547; PubMed 19884007; PubMed 20976770.